The following is an entry in ClinVar:

ClinVar aggregate classification (germline): Uncertain significance (1 of 4 stars; one submission).

Allele frequency attached by ClinVar (database versions not stated): gnomAD exomes below 0.00001.
gnomAD v4.1: 1 of 1,488,604 alleles (0.000067%); highest among the groups gnomAD compares: Non-Finnish European, 0.000089%; no homozygotes.

Submission:

Women's Health and Genetics/Laboratory Corporation of America, LabCorp
Classification: Uncertain significance. Last evaluated: 2023-03-07. Review status: criteria provided, single submitter. Criteria: LabCorp Variant Classification Summary - May 2015. Collection method: clinical testing. Allele origin: germline.
Comment: Variant summary: RASA2 c.1752+2T>G is located in a canonical splice-site and is predicted to affect mRNA splicing resulting in a significantly altered protein due to either exon skipping, shortening, or inclusion of intronic material. Several computational tools predict a significant impact on normal splicing: Three predict the variant abolishes a 5' splicing donor site. However, these predictions have yet to be confirmed by functional studies. In addition, current evidence is not sufficient to establish whether loss-of-function variants in RASA2 cause disease. The variant was absent in 161276 control chromosomes (gnomAD). The available data on variant occurrences in the general population are insufficient to allow any conclusion about variant significance. To our knowledge, no occurrence of c.1752+2T>G in individuals affected with Noonan Syndrome and no experimental evidence demonstrating its impact on protein function have been reported. No clinical diagnostic laboratories have submitted clinical-significance assessments for this variant to ClinVar after 2014. Based on the evidence outlined above, the variant was classified as uncertain significance.

NM_006506.5(RASA2):c.1752+2T>G

Gene: RASA2 (RAS p21 protein activator 2; plus strand). Cytogenetic location: 3q23.
Variant type: single nucleotide variant.
Coding change: c.1752+2T>G on transcript NM_006506.5 (MANE Select); the canonical splice donor site of the intron after coding-DNA position 1752, T replaced by G.
Molecular consequence: splice donor variant.
Genome position (GRCh38, 1-based): chr3:141,581,179, T>G. VCF-style: chr3-141581179-T-G. GRCh37 (hg19) VCF-style: chr3-141300021-T-G.
Other names: c.1752+2T>G (NM_001303245.3, NM_001303246.3).
Identifiers: ClinVar variation 2501180 (VCV002501180.1), dbSNP rs2478758657, ClinGen allele CA354780416.